The following is an entry in ClinVar:

ClinVar aggregate classification (germline): Uncertain significance (1 of 4 stars; one submission).

Allele frequency attached by ClinVar (database versions not stated): gnomAD exomes below 0.00001 and 0.00001.
gnomAD v4.1: 4 of 1,613,100 alleles (0.00025%); highest among the groups gnomAD compares: Non-Finnish European, 0.00034%; no homozygotes.

Submission:

Labcorp Genetics (formerly Invitae), Labcorp
Classification: Uncertain significance. Last evaluated: 2021-09-24. Review status: criteria provided, single submitter. Criteria: Invitae Variant Classification Sherloc (09022015). Collection method: clinical testing. Allele origin: germline.
Comment: This sequence change replaces glutamic acid with lysine at codon 1768 of the ADGRV1 protein (p.Glu1768Lys). The glutamic acid residue is weakly conserved and there is a small physicochemical difference between glutamic acid and lysine. This variant is not present in population databases (ExAC no frequency). This variant has not been reported in the literature in individuals with ADGRV1-related conditions. Algorithms developed to predict the effect of missense changes on protein structure and function output the following: SIFT: "Tolerated"; PolyPhen-2: "Benign"; Align-GVGD: "Class C0". The lysine amino acid residue is found in multiple mammalian species, suggesting that this missense change does not adversely affect protein function. These predictions have not been confirmed by published functional studies and their clinical significance is uncertain. In summary, the available evidence is currently insufficient to determine the role of this variant in disease. Therefore, it has been classified as a Variant of Uncertain Significance.

NM_032119.4(ADGRV1):c.5302G>A (p.Glu1768Lys)

Gene: ADGRV1 (adhesion G protein-coupled receptor V1; plus strand). Cytogenetic location: 5q14.3.
Variant type: single nucleotide variant.
Coding change: c.5302G>A on transcript NM_032119.4 (MANE Select); coding-DNA position 5302, G replaced by A.
Protein change: p.Glu1768Lys; replaces glutamic acid 1768 with lysine.
Molecular consequence: missense variant. On other transcripts: non-coding transcript variant (1).
Genome position (GRCh38, 1-based): chr5:90,675,434, G>A. VCF-style: chr5-90675434-G-A. GRCh37 (hg19) VCF-style: chr5-89971251-G-A.
Other names: short protein forms E1768K.
Identifiers: ClinVar variation 1420048 (VCV001420048.5), dbSNP rs1163433067, ClinGen allele CA360410335.